The following is an entry in ClinVar:

ClinVar aggregate classification (germline): Uncertain significance (1 of 4 stars; one submission).

Submission:

Labcorp Genetics (formerly Invitae), Labcorp
Classification: Uncertain significance. Last evaluated: 2025-03-27. Review status: criteria provided, single submitter. Criteria: Invitae Variant Classification Sherloc (09022015). Collection method: clinical testing. Allele origin: germline.
Comment: This sequence change replaces asparagine, which is neutral and polar, with aspartic acid, which is acidic and polar, at codon 1926 of the SCN3A protein (p.Asn1926Asp). This variant is not present in population databases (gnomAD no frequency). This variant has not been reported in the literature in individuals affected with SCN3A-related conditions. Invitae Evidence Modeling of protein sequence and biophysical properties (such as structural, functional, and spatial information, amino acid conservation, physicochemical variation, residue mobility, and thermodynamic stability) indicates that this missense variant is not expected to disrupt SCN3A protein function with a negative predictive value of 80%. In summary, the available evidence is currently insufficient to determine the role of this variant in disease. Therefore, it has been classified as a Variant of Uncertain Significance.

NM_006922.4(SCN3A):c.5776A>G (p.Asn1926Asp)

Gene: SCN3A (sodium voltage-gated channel alpha subunit 3; minus strand). Cytogenetic location: 2q24.3.
Variant type: single nucleotide variant.
Coding change: c.5776A>G on transcript NM_006922.4 (MANE Select); coding-DNA position 5776, A replaced by G.
Protein change: p.Asn1926Asp; replaces asparagine 1926 with aspartic acid.
Molecular consequence: missense variant.
Genome position (GRCh38, 1-based): chr2:165,090,377, T>C on the plus strand (A>G on the coding strand, the complement: SCN3A is on the minus strand). VCF-style: chr2-165090377-T-C. GRCh37 (hg19) VCF-style: chr2-165946887-T-C.
Other names: c.5629A>G, p.Asn1877Asp (NM_001081676.2, NM_001081677.2); short protein forms N1926D, N1877D.
Identifiers: ClinVar variation 4755178 (VCV004755178.1).
Genomic context (GRCh38, chr2:165,090,377, plus strand): 5'-TAATCATGTCTTGTTTTATAGGTAAGTCAATCCTCCCTTTAATTGCCTCTTTGTTATAGT[T>C]ACTTGATATATTTTTTAACCTTTGCTTTAAAAGATAACATCTGAAATTACGCTGAATGAT-3'
Protein context (NP_008853.3, residues 1916-1936): LKQRLKNISS[Asn1926Asp]YNKEAIKGRI